The following is an entry in ClinVar:

ClinVar aggregate classification (germline): Uncertain significance (1 of 4 stars; one submission).

Allele frequency attached by ClinVar (database versions not stated): ExAC 0.00019; ESP Exome Variant Server 0.00024; gnomAD 0.00025; TOPMed 0.00026; gnomAD exomes 0.00027.
gnomAD v4.1: 432 of 1,613,156 alleles (0.027%); highest among the groups gnomAD compares: Non-Finnish European, 0.034%; 1 homozygote.

Submission:

Labcorp Genetics (formerly Invitae), Labcorp
Classification: Uncertain significance. Last evaluated: 2025-08-29. Review status: criteria provided, single submitter. Criteria: Invitae Variant Classification Sherloc (09022015). Collection method: clinical testing. Allele origin: germline.
Comment: This sequence change replaces serine, which is neutral and polar, with proline, which is neutral and non-polar, at codon 327 of the ROBO1 protein (p.Ser327Pro). This variant is present in population databases (rs200951485, gnomAD 0.03%). This variant has not been reported in the literature in individuals affected with ROBO1-related conditions. ClinVar contains an entry for this variant (Variation ID: 2054836). Invitae Evidence Modeling of protein sequence and biophysical properties (such as structural, functional, and spatial information, amino acid conservation, physicochemical variation, residue mobility, and thermodynamic stability) indicates that this missense variant is not expected to disrupt ROBO1 protein function with a negative predictive value of 95%. In summary, the available evidence is currently insufficient to determine the role of this variant in disease. Therefore, it has been classified as a Variant of Uncertain Significance.

NM_002941.4(ROBO1):c.979T>C (p.Ser327Pro)

Gene: ROBO1 (roundabout guidance receptor 1; minus strand). Cytogenetic location: 3p12.3.
Variant type: single nucleotide variant.
Coding change: c.979T>C on transcript NM_002941.4 (MANE Select); coding-DNA position 979, T replaced by C.
Protein change: p.Ser327Pro; replaces serine 327 with proline.
Molecular consequence: missense variant.
Genome position (GRCh38, 1-based): chr3:78,714,463, A>G on the plus strand (T>C on the coding strand, the complement: ROBO1 is on the minus strand). VCF-style: chr3-78714463-A-G. GRCh37 (hg19) VCF-style: chr3-78763613-A-G.
Other names: c.862T>C, p.Ser288Pro (NM_001145844.1, NM_001145845.2, NM_133631.4); short protein forms S288P, S327P.
Identifiers: ClinVar variation 2054836 (VCV002054836.4), dbSNP rs200951485, ClinGen allele CA2499094.